The following is an entry in ClinVar:

ClinVar aggregate classification (germline): Likely pathogenic. Review status: criteria provided, single submitter (1 of 4 stars). 2 submissions from 2 submitters: Likely pathogenic (1). 1 of the submissions does not count toward it. Last evaluated 2025-04-30.

Conditions:
Insulin-dependent diabetes mellitus secretory diarrhea syndrome (IPEX). Also called: X-Linked Autoimmunity-Allergic Dysregulation Syndrome; Immune dysregulation-polyendocrinopathy-enteropathy-X-linked syndrome; DIABETES MELLITUS, CONGENITAL INSULIN-DEPENDENT, WITH FATAL SECRETORY DIARRHEA; DIARRHEA, POLYENDOCRINOPATHY, FATAL INFECTION SYNDROME, X-LINKED; ENTEROPATHY, AUTOIMMUNE, WITH HEMOLYTIC ANEMIA AND POLYENDOCRINOPATHY; IMMUNODEFICIENCY, POLYENDOCRINOPATHY, AND ENTEROPATHY, X-LINKED. Identifiers: Orphanet 37042, MedGen C0342288, MONDO:0010580, OMIM 304790. Disease mechanism: loss of function.

Submissions (2):

Dasa
Classification: Likely pathogenic. Last evaluated: 2025-04-30. Review status: criteria provided, single submitter. Criteria: DASA Assertion Criteria. Collection method: clinical testing. Allele origin: germline.
Comment: NM_014009.4(FOXP3):c.224C>T (p.Pro75Leu) is a missense variant that results in the substitution of proline with leucine. This variant has been recurrently observed in individuals with FOXP3-related disorders (PMID: 39372653; PMID: 36600150; PMID: 34531853). Segregation data support an association with disease in the reported family/families (PMID: 39372653; PMID: 36600150). Also, this variant is absent from population databases. Based on the currently available evidence, this variant is classified as likely pathogenic.

Laboratory of Transmission, Control and Immunobiology of Infections, Institut Pasteur de Tunis
Classification: Pathogenic for Insulin-dependent diabetes mellitus secretory diarrhea syndrome. Review status: no assertion criteria provided. Collection method: clinical testing. Allele origin: maternal. Inheritance: X-linked inheritance. Affected: yes. Observed: 1 variant allele, 1 hemizygote. Not counted in ClinVar's aggregate classification.

Literature cited by the submitters: PubMed 39372653 (cited by Dasa); PubMed 36600150 (cited by Dasa); PubMed 34531853 (cited by Dasa).

NM_014009.4(FOXP3):c.224C>T (p.Pro75Leu)

Gene: FOXP3 (forkhead box P3; minus strand). Cytogenetic location: Xp11.23.
Variant type: single nucleotide variant.
Coding change: c.224C>T on transcript NM_014009.4 (MANE Select); coding-DNA position 224, C replaced by T.
Protein change: p.Pro75Leu; replaces proline 75 with leucine.
Molecular consequence: missense variant. On other transcripts: intron variant (1).
Genome position (GRCh38, 1-based): chrX:49,257,755, G>A on the plus strand (C>T on the coding strand, the complement: FOXP3 is on the minus strand). VCF-style: chrX-49257755-G-A. GRCh37 (hg19) VCF-style: chrX-49114212-G-A.
Other names: c.211-190C>T (NM_001114377.2); short protein forms P75L.
Identifiers: ClinVar variation 1098427 (VCV001098427.4), dbSNP rs2147949202, ClinGen allele CA412953650.